The following is an entry in ClinVar:

ClinVar aggregate classification (germline): Uncertain significance (1 of 4 stars; one submission).

Allele frequency attached by ClinVar (database versions not stated): ESP Exome Variant Server 0.00008.

Submission:

Labcorp Genetics (formerly Invitae), Labcorp
Classification: Uncertain significance. Last evaluated: 2023-04-11. Review status: criteria provided, single submitter. Criteria: Invitae Variant Classification Sherloc (09022015). Collection method: clinical testing. Allele origin: germline.
Comment: In summary, the available evidence is currently insufficient to determine the role of this variant in disease. Therefore, it has been classified as a Variant of Uncertain Significance. An algorithm developed to predict the effect of missense changes on protein structure and function (PolyPhen-2) suggests that this variant is likely to be tolerated. This variant has not been reported in the literature in individuals affected with CXCR2-related conditions. This variant is not present in population databases (gnomAD no frequency). This sequence change replaces isoleucine, which is neutral and non-polar, with valine, which is neutral and non-polar, at codon 304 of the CXCR2 protein (p.Ile304Val).

NM_001557.4(CXCR2):c.910A>G (p.Ile304Val)

Gene: CXCR2 (C-X-C motif chemokine receptor 2; plus strand). Cytogenetic location: 2q35.
Variant type: single nucleotide variant.
Coding change: c.910A>G on transcript NM_001557.4 (MANE Select); coding-DNA position 910, A replaced by G.
Protein change: p.Ile304Val; replaces isoleucine 304 with valine.
Molecular consequence: missense variant.
Genome position (GRCh38, 1-based): chr2:218,135,711, A>G. VCF-style: chr2-218135711-A-G. GRCh37 (hg19) VCF-style: chr2-219000434-A-G.
Other names: c.910A>G, p.Ile304Val (NM_001168298.2); short protein forms I304V.
Identifiers: ClinVar variation 2855124 (VCV002855124.3), dbSNP rs373633146, ClinGen allele CA65711521.